The following is an entry in ClinVar:

NM_001128205.2(SULF1):c.1418T>G (p.Ile473Ser)

Gene: SULF1 (sulfatase 1; plus strand). Cytogenetic location: 8q13.3.
Variant type: single nucleotide variant.
Coding change: c.1418T>G on transcript NM_001128205.2 (MANE Select); coding-DNA position 1418, T replaced by G.
Protein change: p.Ile473Ser; replaces isoleucine 473 with serine.
Molecular consequence: missense variant. On other transcripts: 5 prime UTR variant (1), non-coding transcript variant (7).
Genome position (GRCh38, 1-based): chr8:69,621,075, T>G. VCF-style: chr8-69621075-T-G. GRCh37 (hg19) VCF-style: chr8-70533310-T-G.
Other names: c.1418T>G, p.Ile473Ser (NM_001128204.2, NM_001128206.2, NM_001412828.1 and 9 more transcripts); c.1289T>G, p.Ile430Ser (NM_001412832.1, NM_001412838.1, NM_001412839.1 and 1 more transcripts); c.1361T>G, p.Ile454Ser (NM_001412836.1, NM_001412837.1); c.1232T>G, p.Ile411Ser (NM_001412841.1, NM_001412842.1); c.818T>G, p.Ile273Ser (NM_001412844.1, NM_001412845.1); c.-374T>G (NM_001412846.1); short protein forms I273S, I411S, I430S, I454S, I473S.
Identifiers: ClinVar variation 3356685 (VCV003356685.1).

ClinVar aggregate classification (germline): Uncertain significance (0 of 4 stars; one submission).

Conditions:
SULF1-related disorder. Also called: SULF1-related condition.

Submission:

PreventionGenetics, part of Exact Sciences
Classification: Uncertain significance for SULF1-related condition. Last evaluated: 2024-09-18. Review status: no assertion criteria provided. Collection method: clinical testing. Allele origin: germline.
Comment: The SULF1 c.1418T>G variant is predicted to result in the amino acid substitution p.Ile473Ser. To our knowledge, this variant has not been reported in the literature or in a large population database, indicating this variant is rare. At this time, the clinical significance of this variant is uncertain due to the absence of conclusive functional and genetic evidence.